The following is an entry in ClinVar:

ClinVar aggregate classification (germline): Likely benign (1 of 4 stars; one submission).

Conditions:
BRPF1-related disorder. Also called: BRPF1-related condition.

gnomAD v4.1: 1 of 1,614,170 alleles (0.000062%); highest among the groups gnomAD compares: East Asian, 0.0022%; no homozygotes.

Submission:

PreventionGenetics, part of Exact Sciences
Classification: Likely benign for BRPF1-related condition. Last evaluated: 2025-09-24. Review status: criteria provided, single submitter. Criteria: ACMG Guidelines, 2015. Collection method: clinical testing. Allele origin: germline.
Comment: This variant is classified as likely benign based on ACMG/AMP sequence variant interpretation guidelines (Richards et al. 2015 PMID: 25741868, with internal and published modifications).

NM_001003694.2(BRPF1):c.2921-10T>G

Gene: BRPF1 (bromodomain and PHD finger containing 1; plus strand). Cytogenetic location: 3p25.3.
Variant type: single nucleotide variant.
Coding change: c.2921-10T>G on transcript NM_001003694.2 (MANE Select); 10 bases into the intron before coding-DNA position 2921, T replaced by G.
Molecular consequence: intron variant.
Genome position (GRCh38, 1-based): chr3:9,744,998, T>G. VCF-style: chr3-9744998-T-G. GRCh37 (hg19) VCF-style: chr3-9786682-T-G.
Other names: c.2636-10T>G (NM_001438344.1); c.2918-10T>G (NM_001410704.1); c.2633-10T>G (NM_001438345.1); c.2903-10T>G (NM_001437892.1, NM_004634.3); c.2618-10T>G (NM_001319049.2); c.2900-10T>G (NM_001438342.1, NM_001319050.2, NM_001438343.1); c.2615-10T>G (NM_001438346.1).
Identifiers: ClinVar variation 4996447 (VCV004996447.1).